The following is an entry in ClinVar:

ClinVar aggregate classification (germline): Pathogenic. Review status: criteria provided, multiple submitters, no conflicts (2 of 4 stars). 2 submissions from 2 submitters: Pathogenic (2). Last evaluated 2025-10-14.

Conditions:
Gorlin syndrome. Also called: Basal cell nevus syndrome; Nevoid Basal Cell Carcinoma Syndrome. Identifiers: Orphanet 377, MedGen C0004779, MONDO:0007187.

Submissions (2):

GeneDx
Classification: Pathogenic. Last evaluated: 2025-10-14. Review status: criteria provided, single submitter. Criteria: GeneDx Variant Classification Process June 2021. Collection method: clinical testing. Allele origin: germline. Affected: yes.
Comment: Nonsense variant predicted to result in protein truncation or nonsense mediated decay in a gene for which loss of function is a known mechanism of disease; Not observed at significant frequency in large population cohorts (gnomAD); This variant is associated with the following publications: (PMID: 16301862, 16419085, 25525159, 33893086)

Labcorp Genetics (formerly Invitae), Labcorp
Classification: Pathogenic for Gorlin syndrome. Last evaluated: 2020-03-22. Review status: criteria provided, single submitter. Criteria: Invitae Variant Classification Sherloc (09022015). Collection method: clinical testing. Allele origin: germline.
Comment: For these reasons, this variant has been classified as Pathogenic. Loss-of-function variants in PTCH1 are known to be pathogenic (PMID: 16301862, 16419085). This variant has been observed in a family affected with basal cell nevus syndrome (PMID: 16301862) This variant is not present in population databases (ExAC no frequency). This sequence change creates a premature translational stop signal (p.Glu127*) in the PTCH1 gene. It is expected to result in an absent or disrupted protein product.

Literature cited by the submitters: PubMed 16301862 (cited by Labcorp Genetics (formerly Invitae), Labcorp); PubMed 16419085 (cited by Labcorp Genetics (formerly Invitae), Labcorp).

NM_000264.5(PTCH1):c.379G>T (p.Glu127Ter)

Gene: PTCH1 (patched 1; minus strand). Cytogenetic location: 9q22.32.
Variant type: single nucleotide variant.
Coding change: c.379G>T on transcript NM_000264.5 (MANE Select); coding-DNA position 379, G replaced by T.
Protein change: p.Glu127Ter; replaces glutamic acid 127 with a stop codon.
Molecular consequence: nonsense. On other transcripts: non-coding transcript variant (1), 5 prime UTR variant (4).
Genome position (GRCh38, 1-based): chr9:95,506,422, C>A on the plus strand (G>T on the coding strand, the complement: PTCH1 is on the minus strand). VCF-style: chr9-95506422-C-A. GRCh37 (hg19) VCF-style: chr9-98268704-C-A.
Other names: c.379G>T, p.Glu127Ter (NM_001354918.2); c.181G>T, p.Glu61Ter (NM_001354919.2, NM_001083602.3); c.376G>T, p.Glu126Ter (NM_001083603.3); c.-75G>T (NM_001083604.3, NM_001083605.3, NM_001083606.3 and 1 more transcripts); c.379G>T (NM_000264.3); short protein forms E126*, E127*, E61*.
Identifiers: ClinVar variation 1076492 (VCV001076492.11), dbSNP rs774822170, ClinGen allele CA374120162.
Genomic context (GRCh38, chr9:95,506,422, plus strand): 5'-GAGGGACCGGGCCGGGGGCGCGGGCGCCGCGGCGGGCGCTCTTACCTTCCACCCACAGCT[C>A]CTCCACGTTGGTCTCGAGGTTCGCTGCTTTTAATCCCACCGCGAAGGCCCCAAATATGAG-3'